The following is an entry in ClinVar:

NM_003128.3(SPTBN1):c.130C>T (p.Arg44Cys)

Genes: SPTBN1 (spectrin beta, non-erythrocytic 1; plus strand), SPTBN1-AS1 (SPTBN1 antisense RNA 1; minus strand). Cytogenetic location: 2p16.2.
Variant type: single nucleotide variant.
Coding change: c.130C>T on transcript NM_003128.3 (MANE Select); coding-DNA position 130, C replaced by T.
Protein change: p.Arg44Cys; replaces arginine 44 with cysteine.
Molecular consequence: missense variant.
Genome position (GRCh38, 1-based): chr2:54,526,548, C>T. VCF-style: chr2-54526548-C-T. GRCh37 (hg19) VCF-style: chr2-54753685-C-T.
Other names: short protein forms R44C.
Identifiers: ClinVar variation 1315761 (VCV001315761.25), dbSNP rs2104324419, ClinGen allele CA346853502.

ClinVar aggregate classification (germline): Uncertain significance. Review status: criteria provided, multiple submitters, no conflicts (2 of 4 stars). 3 submissions from 3 submitters: Uncertain significance (3). Last evaluated 2025-05-22.

Conditions:
SPTBN1-related disorder. Also called: SPTBN1-related condition.

Allele frequency attached by ClinVar (database versions not stated): gnomAD exomes below 0.00001.
gnomAD v4.1: 2 of 1,613,836 alleles (0.00012%); highest among the groups gnomAD compares: Non-Finnish European, 0.00017%; no homozygotes.

Submissions (3):

PreventionGenetics, part of Exact Sciences
Classification: Uncertain significance for SPTBN1-related condition. Last evaluated: 2025-05-22. Review status: criteria provided, single submitter. Criteria: ACMG Guidelines, 2015. Collection method: clinical testing. Allele origin: germline.
Comment: The SPTBN1 c.130C>T variant is predicted to result in the amino acid substitution p.Arg44Cys. To our knowledge, this variant has not been reported in the literature or in a large population database (gnomAD), indicating this variant is rare. At this time, the clinical significance of this variant is uncertain due to the absence of conclusive functional and genetic evidence.

CeGaT Center for Human Genetics Tuebingen
Classification: Uncertain significance. Last evaluated: 2024-03-01. Review status: criteria provided, single submitter. Criteria: CeGaT Center For Human Genetics Tuebingen Variant Classification Criteria Version 2. Collection method: clinical testing. Allele origin: germline. Affected: yes. Observed: 1 variant allele.
Comment: SPTBN1: PM2, PP2, BP2

GeneDx
Classification: Uncertain significance. Last evaluated: 2023-03-22. Review status: criteria provided, single submitter. Criteria: GeneDx Variant Classification Process June 2021. Collection method: clinical testing. Allele origin: germline. Affected: yes.
Comment: Not observed in large population cohorts (gnomAD); In silico analysis supports that this missense variant has a deleterious effect on protein structure/function; Has not been previously published as pathogenic or benign to our knowledge